The following is an entry in ClinVar:

ClinVar aggregate classification (germline): Pathogenic. Review status: criteria provided, single submitter (1 of 4 stars). 2 submissions from 2 submitters: Pathogenic (1). 1 of the submissions does not count toward it. Last evaluated 2024-01-09.

Conditions:
Fanconi anemia (FA). Also called: Fanconi's anemia. Identifiers: Orphanet 84, MedGen C0015625, MeSH D005199, MONDO:0019391.

Submissions (2):

Labcorp Genetics (formerly Invitae), Labcorp
Classification: Pathogenic for Fanconi anemia. Last evaluated: 2024-01-09. Review status: criteria provided, single submitter. Criteria: Invitae Variant Classification Sherloc (09022015). Collection method: clinical testing. Allele origin: germline.
Comment: This sequence change creates a premature translational stop signal (p.Cys215Leufs*4) in the FANCA gene. It is expected to result in an absent or disrupted protein product. Loss-of-function variants in FANCA are known to be pathogenic (PMID: 19367192). This variant is not present in population databases (gnomAD no frequency). This premature translational stop signal has been observed in individual(s) with clinical features of Fanconi anemia (PMID: 30031030). ClinVar contains an entry for this variant (Variation ID: 456134). For these reasons, this variant has been classified as Pathogenic.

Natera, Inc.
Classification: Pathogenic for Fanconi anemia. Last evaluated: 2021-04-02. Review status: no assertion criteria provided. Collection method: clinical testing. Allele origin: germline. Not counted in ClinVar's aggregate classification.

Literature cited by the submitters: PubMed 19367192 (cited by Labcorp Genetics (formerly Invitae), Labcorp); PubMed 30031030 (cited by Labcorp Genetics (formerly Invitae), Labcorp).

NM_000135.4(FANCA):c.643_644del (p.Cys215fs)

Gene: FANCA (FA complementation group A; minus strand). Cytogenetic location: 16q24.3.
Variant type: Microsatellite.
Coding change: c.643_644del on transcript NM_000135.4 (MANE Select); coding-DNA positions 643 to 644, 2 bases deleted (TG; older notation c.643_644delTG).
Protein change: p.Cys215fs; shifts the reading frame from cysteine 215.
Molecular consequence: frameshift variant.
Genome position (GRCh38, 1-based): chr16:89,805,345-89,805,346, CA deleted on the plus strand (TG on the coding strand, the reverse complement: FANCA is on the minus strand); deleting any 2 consecutive bases within chr16:89,805,345-89,805,348 gives the same sequence; the c. name uses the placement nearest the transcript's 3' end. VCF-style (leftmost placement, unchanged base first): chr16-89805344-GCA-G. GRCh37 (hg19) VCF-style: chr16-89871752-GCA-G.
Other names: c.643_644del, p.Cys215fs (NM_001018112.3, NM_001286167.3); c.547_548del, p.Cys183fs (NM_001351830.2); short protein forms C215fs, C183fs.
Identifiers: ClinVar variation 456134 (VCV000456134.11), dbSNP rs1338138752, ClinGen allele CA645577775.